The following is an entry in ClinVar:

ClinVar aggregate classification (germline): Pathogenic (1 of 4 stars; one submission).

Conditions:
Familial cancer of breast. Also called: BREAST CANCER, FAMILIAL; hereditary breast carcinoma; Hereditary breast cancer. Identifiers: Orphanet 227535, MedGen C0346153, MONDO:0016419, OMIM 114480. Disease mechanism: loss of function.

Submission:

Myriad Genetics, Inc.
Classification: Pathogenic for Familial cancer of breast. Last evaluated: 2023-05-17. Review status: criteria provided, single submitter. Criteria: Myriad Autosomal Dominant, Autosomal Recessive and X-Linked Classification Criteria (2023). Collection method: clinical testing. Allele origin: unknown.
Comment: This variant is considered pathogenic. This variant creates a frameshift predicted to result in premature protein truncation.

NM_000465.4(BARD1):c.26_40delinsTAATCGGT (p.Asn9fs)

Gene: BARD1 (BRCA1 associated RING domain 1; minus strand). Cytogenetic location: 2q35.
Variant type: Indel.
Coding change: c.26_40delinsTAATCGGT on transcript NM_000465.4 (MANE Select); coding-DNA positions 26 to 40, ACCGGCAGCCGAGGA replaced by TAATCGGT.
Protein change: p.Asn9fs; shifts the reading frame from asparagine 9.
Molecular consequence: frameshift variant. On other transcripts: non-coding transcript variant (3).
Genome position (GRCh38, 1-based): chr2:214,809,530-214,809,544, TCCTCGGCTGCCGGT replaced by ACCGATTA on the plus strand (ACCGGCAGCCGAGGA replaced by TAATCGGT on the coding strand, the reverse complement: BARD1 is on the minus strand). VCF-style: chr2-214809530-TCCTCGGCTGCCGGT-ACCGATTA. GRCh37 (hg19) VCF-style: chr2-215674254-TCCTCGGCTGCCGGT-ACCGATTA.
Other names: c.26_40delinsTAATCGGT, p.Asn9fs (NM_001282543.2, NM_001282545.2, NM_001282548.2 and 1 more transcripts); short protein forms N9fs.
Identifiers: ClinVar variation 2583779 (VCV002583779.2), dbSNP rs2469639844, ClinGen allele CA2582342129.